The following is an entry in ClinVar:

NM_198253.3(TERT):c.754G>A (p.Gly252Arg)

Gene: TERT (telomerase reverse transcriptase; minus strand). Cytogenetic location: 5p15.33.
Variant type: single nucleotide variant.
Coding change: c.754G>A on transcript NM_198253.3 (MANE Select); coding-DNA position 754, G replaced by A.
Protein change: p.Gly252Arg; replaces glycine 252 with arginine.
Molecular consequence: missense variant. On other transcripts: non-coding transcript variant (2).
Genome position (GRCh38, 1-based): chr5:1,294,132, C>T on the plus strand (G>A on the coding strand, the complement: TERT is on the minus strand). VCF-style: chr5-1294132-C-T. GRCh37 (hg19) VCF-style: chr5-1294247-C-T.
Other names: c.754G>A, p.Gly252Arg (NM_001193376.3); short protein forms G252R.
Identifiers: ClinVar variation 954109 (VCV000954109.12), dbSNP rs1751208674, ClinGen allele CA359056893.
Genomic context (GRCh38, chr5:1,294,132, plus strand): 5'-CACAGAAACCACGGTCACTCGGTCCACGCGTCCTGCCCGGGTGGGCCCAGGACCCCTGCC[C>T]AACGGGCGTCCGCTCCGGCTCAGGGGCAGCGCCACGCCTGGGCCTCTTGGGCAACGGCAG-3'
Protein context (NP_937983.2, residues 242-262): AAPEPERTPV[Gly252Arg]QGSWAHPGRT

ClinVar aggregate classification (germline): Uncertain significance. Review status: criteria provided, multiple submitters, no conflicts (2 of 4 stars). 2 submissions from 2 submitters: Uncertain significance (2). Last evaluated 2025-11-10.

Conditions:
Dyskeratosis congenita. Identifiers: Orphanet 1775, MedGen C0265965, MONDO:0015780.
Dyskeratosis congenita, autosomal dominant 2. Identifiers: MedGen C3151443, MONDO:0013521, OMIM 613989.
Idiopathic Pulmonary Fibrosis. Also called: Idiopathic fibrosing alveolitis, chronic form; idiopathic fibrosing alveolitis. Identifiers: Orphanet 2032, MedGen C1800706, MeSH D054990, MONDO:0800504.

Submissions (2):

Labcorp Genetics (formerly Invitae), Labcorp
Classification: Uncertain significance for Dyskeratosis congenita, autosomal dominant 2; Idiopathic Pulmonary Fibrosis. Last evaluated: 2025-11-10. Review status: criteria provided, single submitter. Criteria: Invitae Variant Classification Sherloc (09022015). Collection method: clinical testing. Allele origin: germline.
Comment: This sequence change replaces glycine, which is neutral and non-polar, with arginine, which is basic and polar, at codon 252 of the TERT protein (p.Gly252Arg). This variant is not present in population databases (gnomAD no frequency). This variant has not been reported in the literature in individuals affected with TERT-related conditions. ClinVar contains an entry for this variant (Variation ID: 954109). Invitae Evidence Modeling of protein sequence and biophysical properties (such as structural, functional, and spatial information, amino acid conservation, physicochemical variation, residue mobility, and thermodynamic stability) indicates that this missense variant is not expected to disrupt TERT protein function with a negative predictive value of 95%. In summary, the available evidence is currently insufficient to determine the role of this variant in disease. Therefore, it has been classified as a Variant of Uncertain Significance.

Ambry Genetics
Classification: Uncertain significance for Dyskeratosis congenita. Last evaluated: 2022-02-21. Review status: criteria provided, single submitter. Criteria: Ambry Variant Classification Scheme 2023. Collection method: clinical testing. Allele origin: germline.
Comment: The p.G252R variant (also known as c.754G>A), located in coding exon 2 of the TERT gene, results from a G to A substitution at nucleotide position 754. The glycine at codon 252 is replaced by arginine, an amino acid with dissimilar properties. This amino acid position is conserved. In addition, this alteration is predicted to be tolerated by in silico analysis. Since supporting evidence is limited at this time, the clinical significance of this alteration remains unclear.